The following is an entry in ClinVar:

ClinVar aggregate classification (germline): Benign (1 of 4 stars; one submission).

Conditions:
Tuberous sclerosis 2 (TSC2). Identifiers: Orphanet 805, MedGen C1860707, MONDO:0013199, OMIM 613254.

Submission:

Myriad Genetics, Inc.
Classification: Benign for Tuberous sclerosis 2. Last evaluated: 2025-05-14. Review status: criteria provided, single submitter. Criteria: Myriad Autosomal Dominant, Autosomal Recessive and X-Linked Classification Criteria (2023). Collection method: clinical testing. Allele origin: unknown.
Comment: This variant is considered benign. This variant is a silent/synonymous amino acid change and it is not expected to impact splicing.

NM_000548.5(TSC2):c.1536G>A (p.Leu512=)

Gene: TSC2 (TSC complex subunit 2; plus strand). Cytogenetic location: 16p13.3.
Variant type: single nucleotide variant.
Coding change: c.1536G>A on transcript NM_000548.5 (MANE Select); coding-DNA position 1536, G replaced by A.
Protein change: p.Leu512=; no amino-acid change (leucine 512 retained).
Molecular consequence: synonymous variant. On other transcripts: 5 prime UTR variant (1), non-coding transcript variant (5).
Genome position (GRCh38, 1-based): chr16:2,064,364, G>A. VCF-style: chr16-2064364-G-A. GRCh37 (hg19) VCF-style: chr16-2114365-G-A.
Other names: c.1536G>A, p.Leu512= (NM_001077183.3, NM_001114382.3, NM_001363528.2 and 6 more transcripts); c.1425G>A, p.Leu475= (NM_001318827.2, NM_001406670.1, NM_001406678.1); c.1389G>A, p.Leu463= (NM_001318829.2, NM_001406675.1, NM_001406676.1 and 1 more transcripts); c.936G>A, p.Leu312= (NM_001318831.2, NM_001406680.1, NM_001406682.1 and 6 more transcripts); c.1569G>A, p.Leu523= (NM_001318832.2); c.1626G>A, p.Leu542= (NM_001406667.1, NM_001406668.1); c.1524G>A, p.Leu508= (NM_001406671.1, NM_001406673.1); c.1479G>A, p.Leu493= (NM_001406677.1); and 3 more.
Identifiers: ClinVar variation 4071310 (VCV004071310.1).